The following is an entry in ClinVar:

ClinVar aggregate classification (germline): Uncertain significance. Review status: criteria provided, multiple submitters, no conflicts (2 of 4 stars). 3 submissions from 3 submitters: Uncertain significance (3). Last evaluated 2025-04-09.

Conditions:
Cardiovascular phenotype. Identifiers: MedGen CN230736.
Long QT syndrome (LQTS). Identifiers: MedGen C0023976, MeSH D008133, MONDO:0002442. Disease mechanism: loss of function. Inheritance: Various modes of inheritance.

Submissions (3):

Molecular Diagnostic Laboratory for Inherited Cardiovascular Disease, Montreal Heart Institute
Classification: Uncertain significance for Cardiovascular phenotype. Last evaluated: 2025-04-09. Review status: criteria provided, single submitter. Criteria: ACMG Guidelines, 2015. Collection method: clinical testing. Allele origin: germline. Affected: yes.

Labcorp Genetics (formerly Invitae), Labcorp
Classification: Uncertain significance for Long QT syndrome. Last evaluated: 2021-07-09. Review status: criteria provided, single submitter. Criteria: Invitae Variant Classification Sherloc (09022015). Collection method: clinical testing. Allele origin: germline.
Comment: Algorithms developed to predict the effect of missense changes on protein structure and function (SIFT, PolyPhen-2, Align-GVGD) all suggest that this variant is likely to be tolerated. In summary, the available evidence is currently insufficient to determine the role of this variant in disease. Therefore, it has been classified as a Variant of Uncertain Significance. This variant has not been reported in the literature in individuals affected with KCNQ1-related conditions. The frequency data for this variant in the population databases is considered unreliable, as metrics indicate insufficient coverage at this position in the ExAC database. This sequence change replaces proline with arginine at codon 45 of the KCNQ1 protein (p.Pro45Arg). The proline residue is moderately conserved and there is a moderate physicochemical difference between proline and arginine.

GeneDx
Classification: Uncertain significance. Last evaluated: 2020-07-02. Review status: criteria provided, single submitter. Criteria: GeneDx Variant Classification Process June 2021. Collection method: clinical testing. Allele origin: germline. Affected: yes.
Comment: Has not been previously published as pathogenic or benign to our knowledge; Not observed in large population cohorts (Lek et al., 2016); In silico analysis supports that this missense variant does not alter protein structure/function

NM_000218.3(KCNQ1):c.134C>G (p.Pro45Arg)

Gene: KCNQ1 (potassium voltage-gated channel subfamily Q member 1; plus strand). Cytogenetic location: 11p15.5.
Variant type: single nucleotide variant.
Coding change: c.134C>G on transcript NM_000218.3 (MANE Select); coding-DNA position 134, C replaced by G.
Protein change: p.Pro45Arg; replaces proline 45 with arginine.
Molecular consequence: missense variant.
Genome position (GRCh38, 1-based): chr11:2,445,232, C>G. VCF-style: chr11-2445232-C-G. GRCh37 (hg19) VCF-style: chr11-2466462-C-G.
Other names: short protein forms P45R.
Identifiers: ClinVar variation 1312976 (VCV001312976.10), dbSNP rs1173954679, ClinGen allele CA379116316.
Genomic context (GRCh38, chr11:2,445,232, plus strand): 5'-GGGGCAGCGCGGGCCTGGCCAAGAAGTGCCCCTTCTCGCTGGAGCTGGCGGAGGGCGGCC[C>G]GGCGGGCGGCGCGCTCTACGCGCCCATCGCGCCCGGCGCCCCAGGTCCCGCGCCCCCTGC-3'
Protein context (NP_000209.2, residues 35-55): PFSLELAEGG[Pro45Arg]AGGALYAPIA